The following is an entry in ClinVar:

ClinVar aggregate classification (germline): Pathogenic/Likely pathogenic. Review status: criteria provided, multiple submitters, no conflicts (2 of 4 stars). 2 submissions from 2 submitters: Pathogenic (1); Likely pathogenic (1). Last evaluated 2024-06-07.

Conditions:
Mucopolysaccharidosis, MPS-II (MPS2). Also called: Hunter Syndrome; Mucopolysaccharidosis with skin involvement; Mucopolysaccharidosis type 2; IDURONATE 2-SULFATASE DEFICIENCY; Mucopolysaccharidosis Type II; IDS deficiency. Identifiers: Orphanet 580, Orphanet 79388, MedGen C0026705, MONDO:0010674, OMIM 309900.

Submissions (2):

Laboratory of Diagnosis and Therapy of Lysosomal Disorders, University of Padova
Classification: Likely pathogenic for Mucopolysaccharidosis, MPS-II. Last evaluated: 2024-06-07. Review status: criteria provided, single submitter. Criteria: ACMG Guidelines, 2015. Collection method: literature only. Allele origin: germline. Affected: yes. Observed: 4 variant alleles.
Comment: Absent from controls (or at low frequency) in gnomAD database (PM2_Moderate), Missense variant in a gene with a low rate of benign missense variation (PP2_Supporting), Multiple lines of computational evidence support a deleterious effect (PP3_Supporting), Patient’s phenotype or family history highly specific for the disease (PP4_Moderate)

Classification method: ACMG Guidelines [PMID:25741868] with modifications

IIFP, CONICET-UNLP
Classification: Pathogenic for Mucopolysaccharidosis, MPS-II. Last evaluated: 2013-05-22. Review status: criteria provided, single submitter. Criteria: ACMG Guidelines, 2007. Collection method: research. Allele origin: maternal. Inheritance: X-linked inheritance. Affected: yes. Observed: 1 variant allele.

Literature cited by the submitters: PubMed 27896113 (cited by Laboratory of Diagnosis and Therapy of Lysosomal Disorders, University of Padova); PubMed 24125893 (cited by Laboratory of Diagnosis and Therapy of Lysosomal Disorders, University of Padova); PubMed 33960103 (cited by Laboratory of Diagnosis and Therapy of Lysosomal Disorders, University of Padova); PubMed 7981716 (cited by Laboratory of Diagnosis and Therapy of Lysosomal Disorders, University of Padova); DOI 10.1016/j.ymgmr.2014.08.006 (cited by IIFP, CONICET-UNLP).

NM_000202.8(IDS):c.1433A>G (p.Asp478Gly)

Gene: IDS (iduronate 2-sulfatase; minus strand). Cytogenetic location: Xq28.
Variant type: single nucleotide variant.
Coding change: c.1433A>G on transcript NM_000202.8 (MANE Select); coding-DNA position 1433, A replaced by G.
Protein change: p.Asp478Gly; replaces aspartic acid 478 with glycine.
Molecular consequence: missense variant.
Genome position (GRCh38, 1-based): chrX:149,482,966, T>C on the plus strand (A>G on the coding strand, the complement: IDS is on the minus strand). VCF-style: chrX-149482966-T-C. GRCh37 (hg19) VCF-style: chrX-148564497-T-C.
Other names: c.1163A>G, p.Asp388Gly (NM_001166550.4); short protein forms D478G, D388G.
Identifiers: ClinVar variation 221204 (VCV000221204.4), dbSNP rs864622773, ClinGen allele CA349811.